The following is an entry in ClinVar:

ClinVar aggregate classification (germline): Uncertain significance (1 of 4 stars; one submission).

Conditions:
LEPR-related disorder. Also called: LEPR-related disorders; LEPR-related condition.

Submission:

PreventionGenetics, part of Exact Sciences
Classification: Uncertain significance for LEPR-related condition. Last evaluated: 2025-08-06. Review status: criteria provided, single submitter. Criteria: ACMG Guidelines, 2015. Collection method: clinical testing. Allele origin: germline.
Comment: The LEPR c.2818G>T variant is predicted to result in the amino acid substitution p.Val940Phe. To our knowledge, this variant has not been reported in the literature or in a large population database (gnomAD), indicating this variant is rare. At this time, the clinical significance of this variant is uncertain due to the absence of conclusive functional and genetic evidence.

NM_002303.6(LEPR):c.2818G>T (p.Val940Phe)

Gene: LEPR (leptin receptor; plus strand). Cytogenetic location: 1p31.3.
Variant type: single nucleotide variant.
Coding change: c.2818G>T on transcript NM_002303.6 (MANE Select); coding-DNA position 2818, G replaced by T.
Protein change: p.Val940Phe; replaces valine 940 with phenylalanine.
Molecular consequence: missense variant.
Genome position (GRCh38, 1-based): chr1:65,636,335, G>T. VCF-style: chr1-65636335-G-T. GRCh37 (hg19) VCF-style: chr1-66102018-G-T.
Other names: short protein forms V940F.
Identifiers: ClinVar variation 5001985 (VCV005001985.1).